The following is an entry in ClinVar:

NM_000083.3(CLCN1):c.710A>G (p.His237Arg)

Gene: CLCN1 (chloride voltage-gated channel 1; plus strand). Cytogenetic location: 7q34.
Variant type: single nucleotide variant.
Coding change: c.710A>G on transcript NM_000083.3 (MANE Select); coding-DNA position 710, A replaced by G.
Protein change: p.His237Arg; replaces histidine 237 with arginine.
Molecular consequence: missense variant. On other transcripts: non-coding transcript variant (1).
Genome position (GRCh38, 1-based): chr7:143,323,322, A>G. VCF-style: chr7-143323322-A-G. GRCh37 (hg19) VCF-style: chr7-143020415-A-G.
Other names: short protein forms H237R.
Identifiers: ClinVar variation 1461040 (VCV001461040.8), dbSNP rs542648820, ClinGen allele CA4537059.

ClinVar aggregate classification (germline): Uncertain significance (1 of 4 stars; one submission).

Conditions:
Congenital myotonia, autosomal recessive form. Also called: Becker Generalized Myotonia; BECKER DISEASE; myotonia congenita, autosomal recessive. Identifiers: Orphanet 614, MedGen C0751360, MONDO:0009715, OMIM 255700.
Congenital myotonia, autosomal dominant form (THD). Also called: THOMSEN DISEASE; Myotonia congenita autosomal dominant. Identifiers: Orphanet 614, MedGen C2936781, MONDO:0008055, OMIM 160800.

Allele frequency attached by ClinVar (database versions not stated): gnomAD exomes below 0.00001; ExAC 0.00001; gnomAD 0.00001; 1000 Genomes Project 30x 0.00016; 1000 Genomes Project 0.00020.
gnomAD v4.1: 1 of 1,611,984 alleles (0.000062%); highest among the groups gnomAD compares: African/African-American, 0.0013%; no homozygotes.

Submission:

Labcorp Genetics (formerly Invitae), Labcorp
Classification: Uncertain significance for Congenital myotonia, autosomal recessive form; Congenital myotonia, autosomal dominant form. Last evaluated: 2021-05-03. Review status: criteria provided, single submitter. Criteria: Invitae Variant Classification Sherloc (09022015). Collection method: clinical testing. Allele origin: germline.
Comment: This sequence change replaces histidine with arginine at codon 237 of the CLCN1 protein (p.His237Arg). The histidine residue is moderately conserved and there is a small physicochemical difference between histidine and arginine. In summary, the available evidence is currently insufficient to determine the role of this variant in disease. Therefore, it has been classified as a Variant of Uncertain Significance. Advanced modeling of protein sequence and biophysical properties (such as structural, functional, and spatial information, amino acid conservation, physicochemical variation, residue mobility, and thermodynamic stability) performed at Invitae indicates that this missense variant is expected to disrupt CLCN1 protein function. This variant has not been reported in the literature in individuals with CLCN1-related conditions. This variant is present in population databases (rs542648820, ExAC 0.01%).